The following is an entry in ClinVar:

NM_002618.4(PEX13):c.239C>T (p.Ser80Phe)

Gene: PEX13 (peroxisomal biogenesis factor 13; plus strand). Cytogenetic location: 2p15.
Variant type: single nucleotide variant.
Coding change: c.239C>T on transcript NM_002618.4 (MANE Select); coding-DNA position 239, C replaced by T.
Protein change: p.Ser80Phe; replaces serine 80 with phenylalanine.
Molecular consequence: missense variant.
Genome position (GRCh38, 1-based): chr2:61,031,565, C>T. VCF-style: chr2-61031565-C-T. GRCh37 (hg19) VCF-style: chr2-61258700-C-T.
Other names: short protein forms S80F.
Identifiers: ClinVar variation 1715921 (VCV001715921.3), dbSNP rs2467507620, ClinGen allele CA346941699.

ClinVar aggregate classification (germline): Uncertain significance (1 of 4 stars; one submission).

Conditions:
Peroxisome biogenesis disorder 11A (Zellweger). Also called: Peroxisome biogenesis disorder 11A. Identifiers: Orphanet 912, MedGen C3554000, MONDO:0013949, OMIM 614883.

Allele frequency attached by ClinVar (database versions not stated): gnomAD exomes below 0.00001.
gnomAD v4.1: 2 of 1,614,146 alleles (0.00012%); highest among the groups gnomAD compares: Non-Finnish European, 0.00017%; no homozygotes.

Submission:

Labcorp Genetics (formerly Invitae), Labcorp
Classification: Uncertain significance for Peroxisome biogenesis disorder 11A (Zellweger). Last evaluated: 2023-08-04. Review status: criteria provided, single submitter. Criteria: Invitae Variant Classification Sherloc (09022015). Collection method: clinical testing. Allele origin: germline.
Comment: This variant has not been reported in the literature in individuals affected with PEX13-related conditions. This sequence change replaces serine, which is neutral and polar, with phenylalanine, which is neutral and non-polar, at codon 80 of the PEX13 protein (p.Ser80Phe). This variant is not present in population databases (gnomAD no frequency). ClinVar contains an entry for this variant (Variation ID: 1715921). Advanced modeling of protein sequence and biophysical properties (such as structural, functional, and spatial information, amino acid conservation, physicochemical variation, residue mobility, and thermodynamic stability) performed at Invitae indicates that this missense variant is not expected to disrupt PEX13 protein function. In summary, the available evidence is currently insufficient to determine the role of this variant in disease. Therefore, it has been classified as a Variant of Uncertain Significance.